The following is an entry in ClinVar:

NM_006015.6(ARID1A):c.2261A>T (p.Gln754Leu)

Gene: ARID1A (AT-rich interaction domain 1A; plus strand). Cytogenetic location: 1p36.11.
Variant type: single nucleotide variant.
Coding change: c.2261A>T on transcript NM_006015.6 (MANE Select); coding-DNA position 2261, A replaced by T.
Protein change: p.Gln754Leu; replaces glutamine 754 with leucine.
Molecular consequence: missense variant.
Genome position (GRCh38, 1-based): chr1:26,762,161, A>T. VCF-style: chr1-26762161-A-T. GRCh37 (hg19) VCF-style: chr1-27088652-A-T.
Other names: c.2261A>T, p.Gln754Leu (NM_139135.4); short protein forms Q754L.
Identifiers: ClinVar variation 3657404 (VCV003657404.2).

ClinVar aggregate classification (germline): Uncertain significance (1 of 4 stars; one submission).

Submission:

Labcorp Genetics (formerly Invitae), Labcorp
Classification: Uncertain significance. Last evaluated: 2025-10-02. Review status: criteria provided, single submitter. Criteria: Invitae Variant Classification Sherloc (09022015). Collection method: clinical testing. Allele origin: germline.
Comment: This sequence change replaces glutamine, which is neutral and polar, with leucine, which is neutral and non-polar, at codon 754 of the ARID1A protein (p.Gln754Leu). This variant is not present in population databases (gnomAD no frequency). This variant has not been reported in the literature in individuals affected with ARID1A-related conditions. ClinVar contains an entry for this variant (Variation ID: 3657404). Invitae Evidence Modeling of protein sequence and biophysical properties (such as structural, functional, and spatial information, amino acid conservation, physicochemical variation, residue mobility, and thermodynamic stability) indicates that this missense variant is not expected to disrupt ARID1A protein function with a negative predictive value of 80%. In summary, the available evidence is currently insufficient to determine the role of this variant in disease. Therefore, it has been classified as a Variant of Uncertain Significance.